The following is an entry in ClinVar:

ClinVar aggregate classification (germline): Uncertain significance (1 of 4 stars; one submission).

gnomAD v4.1: 1 of 1,612,774 alleles (0.000062%); highest among the groups gnomAD compares: South Asian, 0.0011%; no homozygotes.

Submission:

Labcorp Genetics (formerly Invitae), Labcorp
Classification: Uncertain significance. Last evaluated: 2023-01-09. Review status: criteria provided, single submitter. Criteria: Invitae Variant Classification Sherloc (09022015). Collection method: clinical testing. Allele origin: germline.
Comment: In summary, the available evidence is currently insufficient to determine the role of this variant in disease. Therefore, it has been classified as a Variant of Uncertain Significance. Advanced modeling of protein sequence and biophysical properties (such as structural, functional, and spatial information, amino acid conservation, physicochemical variation, residue mobility, and thermodynamic stability) performed at Invitae indicates that this missense variant is expected to disrupt PNLIP protein function. This variant has not been reported in the literature in individuals affected with PNLIP-related conditions. This variant is not present in population databases (gnomAD no frequency). This sequence change replaces alanine, which is neutral and non-polar, with threonine, which is neutral and polar, at codon 134 of the PNLIP protein (p.Ala134Thr).

NM_000936.4(PNLIP):c.400G>A (p.Ala134Thr)

Gene: PNLIP (pancreatic lipase; plus strand). Cytogenetic location: 10q25.3.
Variant type: single nucleotide variant.
Coding change: c.400G>A on transcript NM_000936.4 (MANE Select); coding-DNA position 400, G replaced by A.
Protein change: p.Ala134Thr; replaces alanine 134 with threonine.
Molecular consequence: missense variant.
Genome position (GRCh38, 1-based): chr10:116,551,173, G>A. VCF-style: chr10-116551173-G-A. GRCh37 (hg19) VCF-style: chr10-118310685-G-A.
Other names: short protein forms A134T.
Identifiers: ClinVar variation 2129974 (VCV002129974.4), dbSNP rs2493048693, ClinGen allele CA378492597.
Genomic context (GRCh38, chr10:116,551,173, plus strand): 5'-GAAAGTGTGAACTGTATCTGTGTGGACTGGAAAGGTGGCTCCCGAACTGGATACACACAA[G>A]CCTCGCAGAACATCAGGATCGTGGGAGCAGAAGTGGCATATTTTGTTGAATTTCTTCAGG-3'
Protein context (NP_000927.1, residues 124-144): KGGSRTGYTQ[Ala134Thr]SQNIRIVGAE